The following is an entry in ClinVar:

ClinVar aggregate classification (germline): Uncertain significance (1 of 4 stars; one submission).

Submission:

Labcorp Genetics (formerly Invitae), Labcorp
Classification: Uncertain significance. Last evaluated: 2026-01-26. Review status: criteria provided, single submitter. Criteria: Invitae Variant Classification Sherloc (09022015). Collection method: clinical testing. Allele origin: germline.
Comment: This sequence change replaces alanine, which is neutral and non-polar, with glycine, which is neutral and non-polar, at codon 3327 of the LRP2 protein (p.Ala3327Gly). This variant is not present in population databases (gnomAD no frequency). This variant has not been reported in the literature in individuals affected with LRP2-related conditions. ClinVar contains an entry for this variant (Variation ID: 2119937). An algorithm developed to predict the effect of missense changes on protein structure and function (PolyPhen-2) suggests that this variant is likely to be tolerated. In summary, the available evidence is currently insufficient to determine the role of this variant in disease. Therefore, it has been classified as a Variant of Uncertain Significance.

NM_004525.3(LRP2):c.9980C>G (p.Ala3327Gly)

Gene: LRP2 (LDL receptor related protein 2; minus strand). Cytogenetic location: 2q31.1.
Variant type: single nucleotide variant.
Coding change: c.9980C>G on transcript NM_004525.3 (MANE Select); coding-DNA position 9980, C replaced by G.
Protein change: p.Ala3327Gly; replaces alanine 3327 with glycine.
Molecular consequence: missense variant.
Genome position (GRCh38, 1-based): chr2:169,182,185, G>C on the plus strand (C>G on the coding strand, the complement: LRP2 is on the minus strand). VCF-style: chr2-169182185-G-C. GRCh37 (hg19) VCF-style: chr2-170038695-G-C.
Other names: short protein forms A3327G.
Identifiers: ClinVar variation 2119937 (VCV002119937.4), dbSNP rs746766990, ClinGen allele CA349151677.
Genomic context (GRCh38, chr2:169,182,185, plus strand): 5'-AAGGAGGTGAAAGAAAAGCCCAGGATTGCAGGGAGACAATACCCATATTGAGGGTGAAGG[G>C]CAAGTCCTCTGGGATTATCAAAGCAGAAGGTGTTGTTGGCATCCACACAGTGCTGGGCCA-3'
Protein context (NP_004516.2, residues 3317-3337): TFCFDNPRGL[Ala3327Gly]LHPQYGYLYW